The following is an entry in ClinVar:

ClinVar aggregate classification (germline): Uncertain significance. Review status: criteria provided, multiple submitters, no conflicts (2 of 4 stars). 3 submissions from 3 submitters: Uncertain significance (3). Last evaluated 2024-11-09.

Conditions:
Hereditary cancer-predisposing syndrome. Also called: Neoplastic Syndromes, Hereditary; Hereditary Cancer Syndrome; Tumor predisposition; Hereditary neoplastic syndrome. Identifiers: Orphanet 140162, MedGen C0027672, MeSH D009386, MONDO:0015356.
Hereditary nonpolyposis colorectal neoplasms. Identifiers: MedGen C0009405, MeSH D003123.
Lynch syndrome. Identifiers: Orphanet 144, MedGen C4552100, MONDO:0005835. Disease mechanism: loss of function.

Allele frequency attached by ClinVar (database versions not stated): gnomAD exomes 0.00001; ExAC 0.00002.
gnomAD v4.1: 7 of 1,599,402 alleles (0.00044%); highest among the groups gnomAD compares: Non-Finnish European, 0.0006%; no homozygotes.

Submissions (3):

Ambry Genetics
Classification: Uncertain significance for Hereditary cancer-predisposing syndrome. Last evaluated: 2024-11-09. Review status: criteria provided, single submitter. Criteria: Ambry Variant Classification Scheme 2023. Collection method: clinical testing. Allele origin: germline.
Comment: The c.3556+4A>G intronic variant results from an A to G substitution 4 nucleotides after coding exon 6 in the MSH6 gene. This nucleotide position is highly conserved in available vertebrate species. In silico splice site analysis predicts that this alteration will not have any significant effect on splicing. Based on the available evidence, the clinical significance of this variant remains unclear.

All of Us Research Program, National Institutes of Health
Classification: Uncertain significance for Lynch syndrome. Last evaluated: 2024-05-14. Review status: criteria provided, single submitter. Criteria: ACMG Guidelines, 2015. Collection method: clinical testing. Allele origin: germline. Inheritance: Autosomal dominant inheritance. Observed: 1 variant allele, 1 heterozygote.
Comment: This variant causes an A to G nucleotide substitution at the +4 position of intron 6 of the MSH6 gene. Splice site prediction tools suggest that this variant may not impact RNA splicing. To our knowledge, functional studies have not been reported for this variant. This variant has not been reported in individuals affected with MSH6-related disorders in the literature. This variant has been identified in 3/250990 chromosomes in the general population by the Genome Aggregation Database (gnomAD). The available evidence is insufficient to determine the role of this variant in disease conclusively. Therefore, this variant is classified as a Variant of Uncertain Significance.

This study involves interpretation of variants in research participants for the purpose of population health screening. Participant phenotype was not available at the time of variant classification. Additional details can be found in publication PMID: 35346344, PMCID: PMC8962531

Labcorp Genetics (formerly Invitae), Labcorp
Classification: Uncertain significance for Hereditary nonpolyposis colorectal neoplasms. Last evaluated: 2022-06-23. Review status: criteria provided, single submitter. Criteria: Invitae Variant Classification Sherloc (09022015). Collection method: clinical testing. Allele origin: germline.
Comment: In summary, the available evidence is currently insufficient to determine the role of this variant in disease. Therefore, it has been classified as a Variant of Uncertain Significance. Variants that disrupt the consensus splice site are a relatively common cause of aberrant splicing (PMID: 17576681, 9536098). Algorithms developed to predict the effect of sequence changes on RNA splicing suggest that this variant is not likely to affect RNA splicing. This variant has not been reported in the literature in individuals affected with MSH6-related conditions. This variant is present in population databases (rs756946852, gnomAD 0.003%). This sequence change falls in intron 6 of the MSH6 gene. It does not directly change the encoded amino acid sequence of the MSH6 protein. It affects a nucleotide within the consensus splice site.

Literature cited by the submitters: PubMed 17576681 (cited by Labcorp Genetics (formerly Invitae), Labcorp); PubMed 9536098 (cited by Labcorp Genetics (formerly Invitae), Labcorp).

NM_000179.3(MSH6):c.3556+4A>G

Gene: MSH6 (mutS homolog 6; plus strand). Cytogenetic location: 2p16.3.
Variant type: single nucleotide variant.
Coding change: c.3556+4A>G on transcript NM_000179.3 (MANE Select); 4 bases into the intron after coding-DNA position 3556, A replaced by G.
Molecular consequence: intron variant.
Genome position (GRCh38, 1-based): chr2:47,805,031, A>G. VCF-style: chr2-47805031-A-G. GRCh37 (hg19) VCF-style: chr2-48032170-A-G.
Other names: c.2650+4A>G (NM_001281493.2, NM_001281494.2); c.3166+4A>G (NM_001281492.2); c.3556+4A>G (NM_000179.2).
Identifiers: ClinVar variation 1937083 (VCV001937083.7), dbSNP rs756946852, ClinGen allele CA071265.